The following is an entry in ClinVar:

ClinVar aggregate classification (germline): Conflicting classifications of pathogenicity. Review status: criteria provided, conflicting classifications (1 of 4 stars). 2 submissions from 2 submitters: Uncertain significance (1); Likely benign (1). Last evaluated 2024-02-05.

Conditions:
Adams-Oliver syndrome 4 (AOS4). Identifiers: Orphanet 974, MedGen C3809092, MONDO:0014124, OMIM 615297.
Inborn genetic diseases. Identifiers: MedGen C0950123, MeSH D030342.

Allele frequency attached by ClinVar (database versions not stated): ExAC 0.00001; gnomAD 0.00002; gnomAD exomes 0.00002; TOPMed 0.00002.
gnomAD v4.1: 31 of 1,612,650 alleles (0.0019%); highest among the groups gnomAD compares: Admixed American, 0.01%; no homozygotes.

Submissions (2):

Ambry Genetics
Classification: Likely benign for Inborn genetic diseases. Last evaluated: 2024-02-05. Review status: criteria provided, single submitter. Criteria: Ambry Variant Classification Scheme 2023. Collection method: clinical testing. Allele origin: germline.

Labcorp Genetics (formerly Invitae), Labcorp
Classification: Uncertain significance for Adams-Oliver syndrome 4. Last evaluated: 2022-02-03. Review status: criteria provided, single submitter. Criteria: Invitae Variant Classification Sherloc (09022015). Collection method: clinical testing. Allele origin: germline.
Comment: This variant is present in population databases (rs764559304, gnomAD 0.009%). In summary, the available evidence is currently insufficient to determine the role of this variant in disease. Therefore, it has been classified as a Variant of Uncertain Significance. Algorithms developed to predict the effect of missense changes on protein structure and function output the following: SIFT: "Tolerated"; PolyPhen-2: "Benign"; Align-GVGD: "Class C0". The isoleucine amino acid residue is found in multiple mammalian species, which suggests that this missense change does not adversely affect protein function. ClinVar contains an entry for this variant (Variation ID: 946321). This variant has not been reported in the literature in individuals affected with EOGT-related conditions. This sequence change replaces valine, which is neutral and non-polar, with isoleucine, which is neutral and non-polar, at codon 379 of the EOGT protein (p.Val379Ile).

NM_001278689.2(EOGT):c.1387G>A (p.Val463Ile)

Gene: EOGT (EGF domain specific O-linked N-acetylglucosamine transferase; minus strand). Cytogenetic location: 3p14.1.
Variant type: single nucleotide variant.
Coding change: c.1387G>A on transcript NM_001278689.2 (MANE Select); coding-DNA position 1387, G replaced by A.
Protein change: p.Val463Ile; replaces valine 463 with isoleucine.
Molecular consequence: missense variant. On other transcripts: non-coding transcript variant (1).
Genome position (GRCh38, 1-based): chr3:68,978,383, C>T on the plus strand (G>A on the coding strand, the complement: EOGT is on the minus strand). VCF-style: chr3-68978383-C-T. GRCh37 (hg19) VCF-style: chr3-69027534-C-T.
Other names: c.1135G>A, p.Val379Ile (NM_173654.3); c.1135G>A (NM_173654.1); short protein forms V463I, V379I.
Identifiers: ClinVar variation 946321 (VCV000946321.5), dbSNP rs764559304, ClinGen allele CA2486611.